The following is an entry in ClinVar:

ClinVar aggregate classification (germline): Conflicting classifications of pathogenicity. Review status: criteria provided, conflicting classifications (1 of 4 stars). 3 submissions from 3 submitters: Uncertain significance (1); Likely benign (1). 1 of the submissions does not count toward it. Last evaluated 2025-12-06.

Conditions:
Aromatase deficiency. Also called: Increased aromatase activity; PSEUDOHERMAPHRODITISM, FEMALE, DUE TO PLACENTAL AROMATASE DEFICIENCY. Identifiers: Orphanet 91, MedGen C1960539, MONDO:0013301, OMIM 613546.
CYP19A1-related disorder. Also called: CYP19A1-related condition.

Allele frequency attached by ClinVar (database versions not stated): 1000 Genomes Project 30x 0.00016; 1000 Genomes Project 0.00020; gnomAD 0.00030 and 0.00031; ESP Exome Variant Server 0.00031; TOPMed 0.00032; gnomAD exomes 0.00039; ExAC 0.00044.
gnomAD v4.1: 752 of 1,606,928 alleles (0.047%); highest among the groups gnomAD compares: South Asian, 0.15%; 1 homozygote.

Submissions (3):

Labcorp Genetics (formerly Invitae), Labcorp
Classification: Likely benign. Last evaluated: 2025-12-06. Review status: criteria provided, single submitter. Criteria: Invitae Variant Classification Sherloc (09022015). Collection method: clinical testing. Allele origin: germline.

Illumina Laboratory Services, Illumina
Classification: Uncertain significance for Aromatase deficiency. Last evaluated: 2018-01-13. Review status: criteria provided, single submitter. Criteria: ICSL Variant Classification Criteria 13 December 2019. Collection method: clinical testing. Allele origin: germline.

PreventionGenetics, part of Exact Sciences
Classification: Likely benign for CYP19A1-related condition. Last evaluated: 2024-02-21. Review status: no assertion criteria provided. Collection method: clinical testing. Allele origin: germline. Not counted in ClinVar's aggregate classification.
Comment: This variant is classified as likely benign based on ACMG/AMP sequence variant interpretation guidelines (Richards et al. 2015 PMID: 25741868, with internal and published modifications).

NM_000103.4(CYP19A1):c.49G>A (p.Val17Met)

Genes: PIRC66 (piwi-interacting RNA cluster 66; plus strand), MIR4713HG (MIR4713 host gene; plus strand), CYP19A1 (cytochrome P450 family 19 subfamily A member 1; minus strand). Cytogenetic location: 15q21.2.
Variant type: single nucleotide variant.
Coding change: c.49G>A on transcript NM_000103.4 (MANE Select); coding-DNA position 49, G replaced by A.
Protein change: p.Val17Met; replaces valine 17 with methionine.
Molecular consequence: missense variant.
Genome position (GRCh38, 1-based): chr15:51,242,864, C>T on the plus strand (G>A on the coding strand, the complement: CYP19A1 is on the minus strand). VCF-style: chr15-51242864-C-T. GRCh37 (hg19) VCF-style: chr15-51535061-C-T.
Other names: c.49G>A, p.Val17Met (NM_001347248.1, NM_001347249.2, NM_001347250.2 and 7 more transcripts); short protein forms V17M.
Identifiers: ClinVar variation 316480 (VCV000316480.14), dbSNP rs200111039, ClinGen allele CA7560176.